The following is an entry in ClinVar:

ClinVar aggregate classification (germline): Benign/Likely benign. Review status: criteria provided, multiple submitters, no conflicts (2 of 4 stars). 4 submissions from 4 submitters: Benign (1); Likely benign (2). 1 of the submissions does not count toward it. Last evaluated 2025-11-04.

Conditions:
IL17RC-related disorder. Also called: IL17RC-related condition.
Candidiasis, familial, 9 (CANDF9). Identifiers: Orphanet 1334, MedGen C4225324, MONDO:0014642, OMIM 616445.

Allele frequency attached by ClinVar (database versions not stated): gnomAD exomes 0.00018 and 0.00038; ESP Exome Variant Server 0.00023; TOPMed 0.00025; 1000 Genomes Project 30x 0.00031; ExAC 0.00038; 1000 Genomes Project 0.00040; gnomAD 0.00040 and 0.00042.
gnomAD v4.1: 320 of 1,614,178 alleles (0.02%); highest among the groups gnomAD compares: African/African-American, 0.063%; no homozygotes.

Submissions (4):

Labcorp Genetics (formerly Invitae), Labcorp
Classification: Benign for Candidiasis, familial, 9. Last evaluated: 2025-11-04. Review status: criteria provided, single submitter. Criteria: Invitae Variant Classification Sherloc (09022015). Collection method: clinical testing. Allele origin: germline.

Mayo Clinic Laboratories, Mayo Clinic
Classification: Likely benign. Last evaluated: 2025-01-27. Review status: criteria provided, single submitter. Criteria: ACMG Guidelines, 2015. Collection method: clinical testing. Allele origin: germline. Observed: 1 variant allele.
Comment: BP4, BP7

Blueprint Genetics
Classification: Likely benign. Last evaluated: 2024-08-16. Review status: criteria provided, single submitter. Criteria: ACMG Guidelines, 2015. Collection method: clinical testing. Allele origin: germline.

PreventionGenetics, part of Exact Sciences
Classification: Likely benign for IL17RC-related condition. Last evaluated: 2019-09-17. Review status: no assertion criteria provided. Collection method: clinical testing. Allele origin: germline. Not counted in ClinVar's aggregate classification.
Comment: This variant is classified as likely benign based on ACMG/AMP sequence variant interpretation guidelines (Richards et al. 2015 PMID: 25741868, with internal and published modifications).

NM_153460.4(IL17RC):c.105+24C>T

Gene: IL17RC (interleukin 17 receptor C; plus strand). Cytogenetic location: 3p25.3.
Variant type: single nucleotide variant.
Coding change: c.105+24C>T on transcript NM_153460.4 (MANE Select); 24 bases into the intron after coding-DNA position 105, C replaced by T.
Molecular consequence: intron variant. On other transcripts: synonymous variant (1).
Genome position (GRCh38, 1-based): chr3:9,917,444, C>T. VCF-style: chr3-9917444-C-T. GRCh37 (hg19) VCF-style: chr3-9959128-C-T.
Other names: p.Asp43=; c.129C>T, p.Asp43= (NM_153461.4); c.105+24C>T (NM_001203263.2, NM_001203264.2, NM_001367278.1 and 4 more transcripts).
Identifiers: ClinVar variation 738708 (VCV000738708.11), dbSNP rs192927730, ClinGen allele CA2246663.